The following is an entry in ClinVar:

NM_006031.6(PCNT):c.2170A>G (p.Ile724Val)

Gene: PCNT (pericentrin; plus strand). Cytogenetic location: 21q22.3.
Variant type: single nucleotide variant.
Coding change: c.2170A>G on transcript NM_006031.6 (MANE Select); coding-DNA position 2170, A replaced by G.
Protein change: p.Ile724Val; replaces isoleucine 724 with valine.
Molecular consequence: missense variant.
Genome position (GRCh38, 1-based): chr21:46,363,495, A>G. VCF-style: chr21-46363495-A-G. GRCh37 (hg19) VCF-style: chr21-47783410-A-G.
Other names: c.1816A>G, p.Ile606Val (NM_001315529.2); short protein forms I606V, I724V.
Identifiers: ClinVar variation 3354855 (VCV003354855.2).

ClinVar aggregate classification (germline): Likely benign. Review status: criteria provided, single submitter (1 of 4 stars). 2 submissions from 2 submitters: Likely benign (1). 1 of the submissions does not count toward it. Last evaluated 2025-04-15.

Conditions:
PCNT-related disorder. Also called: PCNT-related condition.
Inborn genetic diseases. Identifiers: MedGen C0950123, MeSH D030342.

gnomAD v4.1: 14 of 1,612,810 alleles (0.00087%); highest among the groups gnomAD compares: East Asian, 0.013%; no homozygotes.

Submissions (2):

Ambry Genetics
Classification: Likely benign for Inborn genetic diseases. Last evaluated: 2025-04-15. Review status: criteria provided, single submitter. Criteria: Ambry Variant Classification Scheme 2023. Collection method: clinical testing. Allele origin: germline.

PreventionGenetics, part of Exact Sciences
Classification: Uncertain significance for PCNT-related condition. Last evaluated: 2024-05-13. Review status: no assertion criteria provided. Collection method: clinical testing. Allele origin: germline. Not counted in ClinVar's aggregate classification.
Comment: The PCNT c.2170A>G variant is predicted to result in the amino acid substitution p.Ile724Val. To our knowledge, this variant has not been reported in the literature. This variant is reported in 0.010% of alleles in individuals of East Asian descent in gnomAD. At this time, the clinical significance of this variant is uncertain due to the absence of conclusive functional and genetic evidence.